The following is an entry in ClinVar:

ClinVar aggregate classification (germline): Uncertain significance (1 of 4 stars; one submission).

Conditions:
Progressive sclerosing poliodystrophy (MTDPS4A). Also called: Mitochondrial DNA Depletion Syndrome 4A; ALPERS PROGRESSIVE INFANTILE POLIODYSTROPHY; NEURONAL DEGENERATION OF CHILDHOOD WITH LIVER DISEASE, PROGRESSIVE; Mitochondrial DNA depletion syndrome 4A (Alpers type); Alpers Syndrome; ALPERS DIFFUSE DEGENERATION OF CEREBRAL GRAY MATTER WITH HEPATIC CIRRHOSIS. Identifiers: Orphanet 726, MedGen C0205710, MONDO:0008758, OMIM 203700.

Allele frequency attached by ClinVar (database versions not stated): gnomAD exomes below 0.00001.
gnomAD v4.1: 1 of 1,614,198 alleles (0.000062%); highest among the groups gnomAD compares: South Asian, 0.0011%; no homozygotes.

Submission:

Labcorp Genetics (formerly Invitae), Labcorp
Classification: Uncertain significance for Progressive sclerosing poliodystrophy. Last evaluated: 2023-10-29. Review status: criteria provided, single submitter. Criteria: Invitae Variant Classification Sherloc (09022015). Collection method: clinical testing. Allele origin: germline.
Comment: This sequence change replaces valine, which is neutral and non-polar, with leucine, which is neutral and non-polar, at codon 844 of the POLG protein (p.Val844Leu). This variant is not present in population databases (gnomAD no frequency). This variant has not been reported in the literature in individuals affected with POLG-related conditions. Advanced modeling of protein sequence and biophysical properties (such as structural, functional, and spatial information, amino acid conservation, physicochemical variation, residue mobility, and thermodynamic stability) performed at Invitae indicates that this missense variant is expected to disrupt POLG protein function with a positive predictive value of 80%. In summary, the available evidence is currently insufficient to determine the role of this variant in disease. Therefore, it has been classified as a Variant of Uncertain Significance.

NM_002693.3(POLG):c.2530G>C (p.Val844Leu)

Gene: POLG (DNA polymerase gamma, catalytic subunit; minus strand). Cytogenetic location: 15q26.1.
Variant type: single nucleotide variant.
Coding change: c.2530G>C on transcript NM_002693.3 (MANE Select); coding-DNA position 2530, G replaced by C.
Protein change: p.Val844Leu; replaces valine 844 with leucine.
Molecular consequence: missense variant.
Genome position (GRCh38, 1-based): chr15:89,321,804, C>G on the plus strand (G>C on the coding strand, the complement: POLG is on the minus strand). VCF-style: chr15-89321804-C-G. GRCh37 (hg19) VCF-style: chr15-89865035-C-G.
Other names: c.2530G>C, p.Val844Leu (NM_001126131.2); short protein forms V844L.
Identifiers: ClinVar variation 3005242 (VCV003005242.3), dbSNP rs1555452881, ClinGen allele CA393754487.